The following is an entry in ClinVar:

ClinVar aggregate classification (germline): Likely benign (1 of 4 stars; one submission).

gnomAD v4.1: 467 of 1,612,180 alleles (0.029%); highest among the groups gnomAD compares: Non-Finnish European, 0.036%; no homozygotes.

Submission:

CeGaT Center for Human Genetics Tuebingen
Classification: Likely benign. Last evaluated: 2026-05-01. Review status: criteria provided, single submitter. Criteria: CeGaT Center For Human Genetics Tuebingen Variant Classification Criteria Version 2. Collection method: clinical testing. Allele origin: germline. Affected: yes. Observed: 1 variant allele.
Comment: LEF1: BP4, BP7

NM_016269.5(LEF1):c.1149A>G (p.Leu383=)

Gene: LEF1 (lymphoid enhancer binding factor 1; minus strand). Cytogenetic location: 4q25.
Variant type: single nucleotide variant.
Coding change: c.1149A>G on transcript NM_016269.5 (MANE Select); coding-DNA position 1149, A replaced by G.
Protein change: p.Leu383=; no amino-acid change (leucine 383 retained).
Molecular consequence: synonymous variant.
Genome position (GRCh38, 1-based): chr4:108,064,352, T>C on the plus strand (A>G on the coding strand, the complement: LEF1 is on the minus strand). VCF-style: chr4-108064352-T-C. GRCh37 (hg19) VCF-style: chr4-108985508-T-C.
Other names: c.1065A>G, p.Leu355= (NM_001130713.3, NM_001130714.3); c.861A>G, p.Leu287= (NM_001166119.2).
Identifiers: ClinVar variation 4872994 (VCV004872994.2).